The following is an entry in ClinVar:

ClinVar aggregate classification (germline): Conflicting classifications of pathogenicity. Review status: criteria provided, conflicting classifications (1 of 4 stars). 3 submissions from 3 submitters: Uncertain significance (2); Likely benign (1). Last evaluated 2026-02-18.

Conditions:
Hereditary cancer-predisposing syndrome. Also called: Tumor predisposition; Hereditary neoplastic syndrome; Neoplastic Syndromes, Hereditary; Hereditary Cancer Syndrome. Identifiers: Orphanet 140162, MedGen C0027672, MeSH D009386, MONDO:0015356.
Hereditary diffuse gastric adenocarcinoma (HDGC). Also called: DIFFUSE GASTRIC AND LOBULAR BREAST CANCER SYNDROME. Identifiers: Orphanet 26106, MedGen C1708349, MONDO:0007648, OMIM 137215.

Submissions (3):

Ambry Genetics
Classification: Uncertain significance for Hereditary cancer-predisposing syndrome. Last evaluated: 2026-02-18. Review status: criteria provided, single submitter. Criteria: Ambry Variant Classification Scheme 2023. Collection method: clinical testing. Allele origin: germline.
Comment: The c.2295+3G>A intronic variant results from a G to A substitution 3 nucleotides after coding exon 14 in the CDH1 gene. This nucleotide position is not well conserved in available vertebrate species, and a is the reference nucleotide in multiple species. In silico splice site analysis predicts that this alteration will not have any significant effect on splicing. Based on the available evidence, the clinical significance of this variant remains unclear.

Myriad Genetics, Inc.
Classification: Likely benign for Hereditary diffuse gastric adenocarcinoma. Last evaluated: 2024-09-23. Review status: criteria provided, single submitter. Criteria: Myriad Autosomal Dominant, Autosomal Recessive and X-Linked Classification Criteria (2023). Collection method: clinical testing. Allele origin: unknown.
Comment: This variant is considered likely benign. This variant is intronic and is not expected to impact mRNA splicing.

Labcorp Genetics (formerly Invitae), Labcorp
Classification: Uncertain significance for Hereditary diffuse gastric adenocarcinoma. Last evaluated: 2023-04-26. Review status: criteria provided, single submitter. Criteria: Invitae Variant Classification Sherloc (09022015). Collection method: clinical testing. Allele origin: germline.
Comment: This variant is not present in population databases (gnomAD no frequency). This sequence change falls in intron 14 of the CDH1 gene. It does not directly change the encoded amino acid sequence of the CDH1 protein. It affects a nucleotide within the consensus splice site. In summary, the available evidence is currently insufficient to determine the role of this variant in disease. Therefore, it has been classified as a Variant of Uncertain Significance. Variants that disrupt the consensus splice site are a relatively common cause of aberrant splicing (PMID: 17576681, 9536098). Algorithms developed to predict the effect of sequence changes on RNA splicing suggest that this variant is not likely to affect RNA splicing. ClinVar contains an entry for this variant (Variation ID: 187198). This variant has not been reported in the literature in individuals affected with CDH1-related conditions.

Literature cited by the submitters: PubMed 17576681 (cited by Labcorp Genetics (formerly Invitae), Labcorp); PubMed 9536098 (cited by Labcorp Genetics (formerly Invitae), Labcorp).

NM_004360.5(CDH1):c.2295+3G>A

Gene: CDH1 (cadherin 1; plus strand). Cytogenetic location: 16q22.1.
Variant type: single nucleotide variant.
Coding change: c.2295+3G>A on transcript NM_004360.5 (MANE Select); 3 bases into the intron after coding-DNA position 2295, G replaced by A.
Molecular consequence: intron variant.
Genome position (GRCh38, 1-based): chr16:68,828,307, G>A. VCF-style: chr16-68828307-G-A. GRCh37 (hg19) VCF-style: chr16-68862210-G-A.
Other names: c.2295+3G>A (LRG_301t1); c.747+3G>A (NM_001317185.2); c.330+3G>A (NM_001317186.2); c.2112+3G>A (NM_001317184.2).
Identifiers: ClinVar variation 187198 (VCV000187198.10), dbSNP rs786203544, ClinGen allele CA196990.
Genomic context (GRCh38, chr16:68,828,307, plus strand): 5'-TGACACCCGGGACAACGTTTATTACTATGATGAAGAAGGAGGCGGAGAAGAGGACCAGGT[G>A]GGTTTTGAAAACCTTGGTAGCTCAGTGGTGATCTCTTTATTCGGAAGAAGCAATGATTAG-3'